The following is an entry in ClinVar:

NM_153676.4(USH1C):c.1823C>T (p.Pro608Leu)

Gene: USH1C (USH1 protein network component harmonin; minus strand). Cytogenetic location: 11p15.1.
Variant type: single nucleotide variant.
Coding change: c.1823C>T on transcript NM_153676.4 (MANE Select); coding-DNA position 1823, C replaced by T.
Protein change: p.Pro608Leu; replaces proline 608 with leucine.
Molecular consequence: missense variant. On other transcripts: intron variant (2).
Genome position (GRCh38, 1-based): chr11:17,509,546, G>A on the plus strand (C>T on the coding strand, the complement: USH1C is on the minus strand). VCF-style: chr11-17509546-G-A. GRCh37 (hg19) VCF-style: chr11-17531093-G-A.
Other names: c.1228-7566C>T (NM_001297764.2); c.1285-7566C>T (NM_005709.4); short protein forms P608L.
Identifiers: ClinVar variation 795042 (VCV000795042.12), dbSNP rs41282932, ClinGen allele CA5904430.
Genomic context (GRCh38, chr11:17,509,546, plus strand): 5'-TCTTCCAGCGCCGAGGGCAGTGGGCGGGTGGGAGTGAGGTCTTGGGTGGGAACGGATGGC[G>A]GGGGAGGGATGGGAATGGGGGGTGGAGTGCGCTGCACCCATGGAGAGGATGAGGCGCTCA-3'
Protein context (NP_710142.1, residues 598-618): RTPPPIPIPP[Pro608Leu]PSVPTQDLTP

ClinVar aggregate classification (germline): Conflicting classifications of pathogenicity. Review status: criteria provided, conflicting classifications (1 of 4 stars). 4 submissions from 4 submitters: Uncertain significance (3); Likely benign (1). Last evaluated 2026-08-06.

Conditions:
Usher syndrome type 1C. Also called: USHER SYNDROME, TYPE I, ACADIAN VARIETY. Identifiers: Orphanet 231169, Orphanet 886, MedGen C1848604, MONDO:0010171, OMIM 276904.

gnomAD v4.1: 63 of 1,602,700 alleles (0.0039%); highest among the groups gnomAD compares: African/African-American, 0.043%; no homozygotes.

Submissions (4):

OLLIN Analises Genomicas, OLLIN
Classification: Uncertain significance for Usher syndrome type 1C. Last evaluated: 2026-08-06. Review status: criteria provided, single submitter. Criteria: ACMG Guidelines 2015 PMID 25741868. Collection method: clinical testing. Allele origin: germline. Inheritance: Autosomal recessive inheritance.
Comment: This missense variant, located in exon 18 (of 27), has been reported in ClinVar (accession VCV000005148.29) and in gnomAD with an allele frequency of 0.0039%. However, to our knowledge, it has not been reported in the scientific literature. In silico analysis predicts that this variant has a tolerated effect. According to the currently available evidence, this variant has been classified as uncertain significance (PM2_P, BP4_M).

GeneDx
Classification: Uncertain significance. Last evaluated: 2026-04-01. Review status: criteria provided, single submitter. Criteria: GeneDx Variant Classification Process June 2021. Collection method: clinical testing. Allele origin: germline.
Comment: In silico analysis suggests that this missense variant does not alter protein structure/function; Reported using an alternate transcript of the gene; Has not been previously published as pathogenic or benign to our knowledge

Blueprint Genetics
Classification: Uncertain significance. Last evaluated: 2023-09-14. Review status: criteria provided, single submitter. Criteria: ACMG Guidelines, 2015. Collection method: clinical testing. Allele origin: germline.

Labcorp Genetics (formerly Invitae), Labcorp
Classification: Likely benign. Last evaluated: 2018-11-12. Review status: criteria provided, single submitter. Criteria: Invitae Variant Classification Sherloc (09022015). Collection method: clinical testing. Allele origin: germline.